The following is an entry in ClinVar:

NM_003070.5(SMARCA2):c.4294_4330dup (p.Arg1444delinsIleLysGluArgIleThrArgIleLeuTer)

Gene: SMARCA2 (SWI/SNF related BAF chromatin remodeling complex subunit ATPase 2; plus strand). Cytogenetic location: 9p24.3.
Variant type: Duplication.
Coding change: c.4294_4330dup on transcript NM_003070.5 (MANE Select); coding-DNA positions 4294 to 4330, 37 bases duplicated.
Protein change: p.Arg1444delinsIleLysGluArgIleThrArgIleLeuTer.
Molecular consequence: nonsense. On other transcripts: frameshift variant (3).
Genome position (GRCh38, 1-based): chr9:2,181,611-2,181,647, 37 bases duplicated. GRCh37 (hg19): chr9:2,181,611-2,181,647.
Other names: c.4240_4276dup, p.Arg1426delinsIleLysGluArgIleThrArgIleLeuTer (NM_139045.4); c.4294_4330dup, p.Arg1444Ilefs (NM_001289396.2); c.4066_4102dup, p.Arg1368delinsIleLysGluArgIleThrArgIleLeuTer (NM_001289397.2); c.268_304dup, p.Arg102delinsIleLysGluArgIleThrArgIleLeuTer (NM_001289398.2); c.352_388dup, p.Arg130Ilefs (NM_001289399.2); c.358_394dup, p.Arg132Ilefs (NM_001289400.2).
Identifiers: ClinVar variation 2053418 (VCV002053418.4), dbSNP rs2537584772, ClinGen allele CA2580080189.

ClinVar aggregate classification (germline): Uncertain significance (1 of 4 stars; one submission).

Submission:

Labcorp Genetics (formerly Invitae), Labcorp
Classification: Uncertain significance. Last evaluated: 2021-12-22. Review status: criteria provided, single submitter. Criteria: Invitae Variant Classification Sherloc (09022015). Collection method: clinical testing. Allele origin: germline.
Comment: This sequence change creates a premature translational stop signal (p.Arg1444Ilefs*10) in the SMARCA2 gene. It is expected to result in an absent or disrupted protein product. However, the current clinical and genetic evidence is not sufficient to establish whether loss-of-function variants in SMARCA2 cause disease. This variant is not present in population databases (gnomAD no frequency). In summary, the available evidence is currently insufficient to determine the role of this variant in disease. Therefore, it has been classified as a Variant of Uncertain Significance. Algorithms developed to predict the effect of sequence changes on RNA splicing suggest that this variant may create or strengthen a splice site. This variant has not been reported in the literature in individuals affected with SMARCA2-related conditions.